The following is an entry in ClinVar:

NM_007078.3(LDB3):c.2059G>T (p.Gly687Cys)

Gene: LDB3 (LIM domain binding 3; plus strand). Cytogenetic location: 10q23.2.
Variant type: single nucleotide variant.
Coding change: c.2059G>T on transcript NM_007078.3 (MANE Select); coding-DNA position 2059, G replaced by T.
Protein change: p.Gly687Cys; replaces glycine 687 with cysteine.
Molecular consequence: missense variant.
Genome position (GRCh38, 1-based): chr10:86,726,217, G>T. VCF-style: chr10-86726217-G-T. GRCh37 (hg19) VCF-style: chr10-88485974-G-T.
Other names: c.1729G>T, p.Gly577Cys (NM_001080114.2); c.2074G>T, p.Gly692Cys (NM_001171610.2); c.1870G>T, p.Gly624Cys (NM_001368064.1, NM_001368065.1); c.1918G>T, p.Gly640Cys (NM_001368066.1); short protein forms G577C, G624C, G640C, G687C, G692C.
Identifiers: ClinVar variation 1677654 (VCV001677654.2), dbSNP rs2132503599, ClinGen allele CA377457717.
Genomic context (GRCh38, chr10:86,726,217, plus strand): 5'-ACCAAGTGCCATGGCTGCGATTTCCCCGTGGAGGCTGGCGACAAGTTTATCGAAGCCCTG[G>T]GCCACACTTGGCACGACACCTGCTTCATTTGCGCAGTATGTCTCTAGCTTGGGGCTCTGG-3'
Protein context (NP_009009.1, residues 677-697): EAGDKFIEAL[Gly687Cys]HTWHDTCFIC

ClinVar aggregate classification (germline): Uncertain significance. Review status: criteria provided, multiple submitters, no conflicts (2 of 4 stars). 2 submissions from 2 submitters: Uncertain significance (2). Last evaluated 2025-03-09.

Conditions:
Myofibrillar myopathy 4. Also called: Zaspopathy (type). Identifiers: Orphanet 98912, MedGen C4721886, MONDO:0012277, OMIM 609452.

Submissions (2):

Labcorp Genetics (formerly Invitae), Labcorp
Classification: Uncertain significance for Myofibrillar myopathy 4. Last evaluated: 2025-03-09. Review status: criteria provided, single submitter. Criteria: Invitae Variant Classification Sherloc (09022015). Collection method: clinical testing. Allele origin: germline.
Comment: The LDB3 gene has multiple clinically relevant transcripts. This variant occurs in alternate transcript NM_007078.3, and corresponds to NM_001080116.1:c.*26843G>T in the primary transcript. This sequence change replaces glycine, which is neutral and non-polar, with cysteine, which is neutral and slightly polar, at codon 687 of the LDB3 protein (p.Gly687Cys). This variant is not present in population databases (gnomAD no frequency). This variant has not been reported in the literature in individuals affected with LDB3-related conditions. Experimental studies and prediction algorithms are not available or were not evaluated, and the functional significance of this variant is currently unknown. In summary, the available evidence is currently insufficient to determine the role of this variant in disease. Therefore, it has been classified as a Variant of Uncertain Significance.

AiLife Diagnostics
Classification: Uncertain significance. Last evaluated: 2021-11-20. Review status: criteria provided, single submitter. Criteria: ACMG Guidelines, 2015. Collection method: clinical testing. Allele origin: germline. Affected: yes. Observed: 1 variant allele.